The following is an entry in ClinVar:

ClinVar aggregate classification (germline): Likely benign. Review status: criteria provided, multiple submitters, no conflicts (2 of 4 stars). 3 submissions from 3 submitters: Likely benign (3). Last evaluated 2026-01-07.

Conditions:
KIZ-related disorder. Also called: KIZ-related condition.

Allele frequency attached by ClinVar (database versions not stated): gnomAD exomes 0.00003 and 0.00010; gnomAD 0.00004 and 0.00005; ExAC 0.00008.
gnomAD v4.1: 44 of 1,611,968 alleles (0.0027%); highest among the groups gnomAD compares: Admixed American, 0.07%; no homozygotes.

Submissions (3):

Labcorp Genetics (formerly Invitae), Labcorp
Classification: Likely benign. Last evaluated: 2026-01-07. Review status: criteria provided, single submitter. Criteria: Invitae Variant Classification Sherloc (09022015). Collection method: clinical testing. Allele origin: germline.

PreventionGenetics, part of Exact Sciences
Classification: Likely benign for KIZ-related condition. Last evaluated: 2025-06-09. Review status: criteria provided, single submitter. Criteria: ACMG Guidelines, 2015. Collection method: clinical testing. Allele origin: germline.
Comment: This variant is classified as likely benign based on ACMG/AMP sequence variant interpretation guidelines (Richards et al. 2015 PMID: 25741868, with internal and published modifications).

Blueprint Genetics
Classification: Likely benign. Last evaluated: 2018-10-25. Review status: criteria provided, single submitter. Criteria: ACMG Guidelines, 2015. Collection method: clinical testing. Allele origin: germline.

NM_018474.6(KIZ):c.1959A>G (p.Glu653=)

Gene: KIZ (kizuna centrosomal protein; plus strand). Cytogenetic location: 20p11.23.
Variant type: single nucleotide variant.
Coding change: c.1959A>G on transcript NM_018474.6 (MANE Select); coding-DNA position 1959, A replaced by G.
Protein change: p.Glu653=; no amino-acid change (glutamic acid 653 retained).
Molecular consequence: synonymous variant.
Genome position (GRCh38, 1-based): chr20:21,246,513, A>G. VCF-style: chr20-21246513-A-G. GRCh37 (hg19) VCF-style: chr20-21227151-A-G.
Other names: c.1959A>G (NM_018474.5); c.1650A>G, p.Glu550= (NM_001163022.3); c.1560A>G, p.Glu520= (NM_001163023.3); c.1812A>G, p.Glu604= (NM_001276389.2); c.1905A>G, p.Glu635= (NM_001352434.2); c.1596A>G, p.Glu532= (NM_001352435.2); c.1617A>G, p.Glu539= (NM_001352436.2).
Identifiers: ClinVar variation 1078434 (VCV001078434.12), dbSNP rs527352773, ClinGen allele CA9785044.
Genomic context (GRCh38, chr20:21,246,513, plus strand): 5'-AATAACTGTCTGGTTTTATTTTCCAGCCCTCTGGGATGAGTCTGATGACAGTAACTCAGA[A>G]ATTGAGGCTGCTTTACGCCCCAGAAACCATAACACCGATGATTCTGATGATTTTTATGAC-3'
Protein context (NP_060944.3, residues 643-663): LWDESDDSNS[Glu653=]IEAALRPRNH